The following is an entry in ClinVar:

NM_006147.4(IRF6):c.133del (p.Arg45fs)

Gene: IRF6 (interferon regulatory factor 6; minus strand). Cytogenetic location: 1q32.2.
Variant type: Deletion.
Coding change: c.133del on transcript NM_006147.4 (MANE Select); coding-DNA position 133, one base deleted (C; older notation c.133delC).
Protein change: p.Arg45fs; shifts the reading frame from arginine 45.
Molecular consequence: frameshift variant. On other transcripts: intron variant (1).
Genome position (GRCh38, 1-based): chr1:209,801,281, G deleted on the plus strand (C on the coding strand, the reverse complement: IRF6 is on the minus strand); the first of 3 consecutive G bases (chr1:209,801,281-209,801,283); deleting any one gives the same sequence. VCF-style (leftmost placement, unchanged base first): chr1-209801280-CG-C. GRCh37 (hg19) VCF-style: chr1-209974625-CG-C.
Other names: c.133delC (NM_006147.3); c.-112+4666del (NM_001206696.2); short protein forms R45fs.
Identifiers: ClinVar variation 659301 (VCV000659301.9), dbSNP rs1571986293, ClinGen allele CA915942000.

ClinVar aggregate classification (germline): Pathogenic/Likely pathogenic. Review status: criteria provided, multiple submitters, no conflicts (2 of 4 stars). 2 submissions from 2 submitters: Pathogenic (1); Likely pathogenic (1). Last evaluated 2022-09-03.

Conditions:
IRF6-related condition. Also called: IRF6-Related Disorders; IRF6-related disorder. Identifiers: MedGen CN378148, MONDO:1040010.
Orofacial cleft 6, susceptibility to (OFC6). Also called: CLEFT LIP WITH OR WITHOUT CLEFT PALATE, NONSYNDROMIC, 6. Identifiers: MedGen C1837213, MONDO:0012141, OMIM 608864.
Popliteal pterygium syndrome (PPS). Identifiers: Orphanet 294963, MedGen C0265259, MONDO:0017435.
Van der Woude syndrome. Identifiers: Orphanet 888, MedGen C0175697, MONDO:0019508.

Submissions (2):

PreventionGenetics, part of Exact Sciences
Classification: Likely pathogenic for IRF6-related condition. Last evaluated: 2022-09-03. Review status: criteria provided, single submitter. Criteria: ACMG Guidelines, 2015. Collection method: clinical testing. Allele origin: germline.
Comment: The IRF6 c.133delC variant is predicted to result in a frameshift and premature protein termination (p.Arg45Glyfs*18). To our knowledge, this variant has not been reported in the literature or in a large population database, indicating this variant is rare. Frameshift variants in IRF6 are expected to be pathogenic. This variant is interpreted as likely pathogenic.

Labcorp Genetics (formerly Invitae), Labcorp
Classification: Pathogenic for Orofacial cleft 6, susceptibility to; Van der Woude syndrome; Popliteal pterygium syndrome. Last evaluated: 2020-11-14. Review status: criteria provided, single submitter. Criteria: Invitae Variant Classification Sherloc (09022015). Collection method: clinical testing. Allele origin: germline.
Comment: Loss-of-function variants in IRF6 are known to be pathogenic (PMID: 19282774, 23949966). This variant has not been reported in the literature in individuals with IRF6-related disease. This variant is not present in population databases (ExAC no frequency). This sequence change creates a premature translational stop signal (p.Arg45Glyfs*18) in the IRF6 gene. It is expected to result in an absent or disrupted protein product. For these reasons, this variant has been classified as Pathogenic.

Literature cited by the submitters: PubMed 19282774 (cited by Labcorp Genetics (formerly Invitae), Labcorp); PubMed 23949966 (cited by Labcorp Genetics (formerly Invitae), Labcorp).